The following is an entry in ClinVar:

ClinVar aggregate classification (germline): Uncertain significance. Review status: criteria provided, multiple submitters, no conflicts (2 of 4 stars). 3 submissions from 3 submitters: Uncertain significance (3). Last evaluated 2025-08-29.

Conditions:
Hereditary cancer-predisposing syndrome. Also called: Neoplastic Syndromes, Hereditary; Tumor predisposition; Hereditary Cancer Syndrome; Hereditary neoplastic syndrome. Identifiers: Orphanet 140162, MedGen C0027672, MeSH D009386, MONDO:0015356.
Familial cancer of breast. Also called: BREAST CANCER, FAMILIAL; Hereditary breast cancer; hereditary breast carcinoma. Identifiers: Orphanet 227535, MedGen C0346153, MONDO:0016419, OMIM 114480. Disease mechanism: loss of function.

Submissions (3):

Ambry Genetics
Classification: Uncertain significance for Hereditary cancer-predisposing syndrome. Last evaluated: 2025-08-29. Review status: criteria provided, single submitter. Criteria: Ambry Variant Classification Scheme 2023. Collection method: clinical testing. Allele origin: germline.
Comment: The c.409_417delCGAACATAC variant (also known as p.R137_Y139del) is located in coding exon 2 of the CHEK2 gene. This variant results from an in-frame deletion of CGAACATAC between nucleotide positions 409 and 417. This results in the in-frame deletion of 3 amino acid residues at codons 137 to 139. This amino acid region is not well conserved in available vertebrate species. In addition, this alteration is predicted to be deleterious by in silico analysis (Choi Y et al. PLoS ONE. 2012; 7(10):e46688). Based on the available evidence, the clinical significance of this variant remains unclear.

GeneDx
Classification: Uncertain significance. Last evaluated: 2025-04-03. Review status: criteria provided, single submitter. Criteria: GeneDx Variant Classification Process June 2021. Collection method: clinical testing. Allele origin: germline. Affected: yes.
Comment: Not observed at significant frequency in large population cohorts (gnomAD); In silico analysis supports a deleterious effect on protein structure/function; Has not been previously published as pathogenic or benign to our knowledge; In-frame deletion of one of amino acid with an unclear effect on protein function; This variant is associated with the following publications: (PMID: 19782031, 22419737)

Labcorp Genetics (formerly Invitae), Labcorp
Classification: Uncertain significance for Familial cancer of breast. Last evaluated: 2025-02-25. Review status: criteria provided, single submitter. Criteria: Invitae Variant Classification Sherloc (09022015). Collection method: clinical testing. Allele origin: germline.
Comment: This variant, c.409_417del, results in the deletion of 3 amino acid(s) of the CHEK2 protein (p.Arg137_Tyr139del), but otherwise preserves the integrity of the reading frame. This variant is not present in population databases (gnomAD no frequency). This variant has not been reported in the literature in individuals affected with CHEK2-related conditions. ClinVar contains an entry for this variant (Variation ID: 186921). Experimental studies and prediction algorithms are not available or were not evaluated, and the functional significance of this variant is currently unknown. In summary, the available evidence is currently insufficient to determine the role of this variant in disease. Therefore, it has been classified as a Variant of Uncertain Significance.

NM_007194.4(CHEK2):c.409_417del (p.Arg137_Tyr139del)

Gene: CHEK2 (checkpoint kinase 2; minus strand). Cytogenetic location: 22q12.1.
Variant type: Deletion.
Coding change: c.409_417del on transcript NM_007194.4 (MANE Select); coding-DNA positions 409 to 417, 9 bases deleted (CGAACATAC; older notation c.409_417delCGAACATAC).
Protein change: p.Arg137_Tyr139del.
Molecular consequence: inframe deletion. On other transcripts: inframe indel (3).
Genome position (GRCh38, 1-based): chr22:28,725,270-28,725,278, GTATGTTCG deleted on the plus strand (CGAACATAC on the coding strand, the reverse complement: CHEK2 is on the minus strand); deleting any 9 consecutive bases within chr22:28,725,270-28,725,282 gives the same sequence; the c. name uses the placement nearest the transcript's 3' end. VCF-style (leftmost placement, unchanged base first): chr22-28725269-TGTATGTTCG-T. GRCh37 (hg19) VCF-style: chr22-29121257-TGTATGTTCG-T.
Other names: c.409_417del (NM_007194.3); c.534_542delATACCGAAC, p.Arg180_Tyr182del (NM_001005735.3); c.-373_-365delATACCGAAC (NM_001257387.3); c.405_413delATACCGAAC, p.Arg137_Tyr139del (NM_001349956.3, NM_145862.3).
Identifiers: ClinVar variation 186921 (VCV000186921.18), dbSNP rs786203325, ClinGen allele CA196244.